The following is an entry in ClinVar:

NM_001040142.2(SCN2A):c.765dup (p.Val256fs)

Gene: SCN2A (sodium voltage-gated channel alpha subunit 2; plus strand). Cytogenetic location: 2q24.3.
Variant type: Duplication.
Coding change: c.765dup on transcript NM_001040142.2 (MANE Select); coding-DNA position 765, one base duplicated (T; older notation c.765dupT).
Protein change: p.Val256fs; shifts the reading frame from valine 256.
Molecular consequence: frameshift variant.
Genome position (GRCh38, 1-based): chr2:165,310,390, T duplicated. VCF-style (leftmost placement, unchanged base first): chr2-165310389-C-CT. GRCh37 (hg19) VCF-style: chr2-166166899-C-CT.
Other names: c.765dup, p.Val256fs (NM_001040143.2, NM_001371246.1, NM_001371247.1 and 1 more transcripts); short protein forms V256fs.
Identifiers: ClinVar variation 2630195 (VCV002630195.1), dbSNP rs2467890286, ClinGen allele CA2695196974.

ClinVar aggregate classification (germline): Likely pathogenic (1 of 4 stars; one submission).

Conditions:
SCN2A-related disorder. Also called: SCN2A-related condition; SCN2A-related disorders. Identifiers: MedGen CN382226, MONDO:1060245.

Submission:

PreventionGenetics, part of Exact Sciences
Classification: Likely pathogenic for SCN2A-related condition. Last evaluated: 2023-02-15. Review status: criteria provided, single submitter. Criteria: ACMG Guidelines, 2015. Collection method: clinical testing. Allele origin: germline.
Comment: The SCN2A c.765dupT variant is predicted to result in a frameshift and premature protein termination (p.Val256Cysfs*22). To our knowledge, this variant has not been reported in the literature or in a large population database, indicating this variant is rare. Frameshift variants in SCN2A are expected to be pathogenic. This variant is interpreted as likely pathogenic.